The following is an entry in ClinVar:

ClinVar aggregate classification (germline): Uncertain significance (1 of 4 stars; one submission).

Allele frequency attached by ClinVar (database versions not stated): gnomAD exomes below 0.00001; TOPMed below 0.00001; ExAC 0.00001.
gnomAD v4.1: 1 of 1,612,910 alleles (0.000062%); highest among the groups gnomAD compares: Admixed American, 0.0017%; no homozygotes.

Submission:

Labcorp Genetics (formerly Invitae), Labcorp
Classification: Uncertain significance. Last evaluated: 2022-07-09. Review status: criteria provided, single submitter. Criteria: Invitae Variant Classification Sherloc (09022015). Collection method: clinical testing. Allele origin: germline.
Comment: This sequence change replaces glutamine, which is neutral and polar, with arginine, which is basic and polar, at codon 273 of the PROSC protein (p.Gln273Arg). In summary, the available evidence is currently insufficient to determine the role of this variant in disease. Therefore, it has been classified as a Variant of Uncertain Significance. Algorithms developed to predict the effect of missense changes on protein structure and function are either unavailable or do not agree on the potential impact of this missense change (SIFT: "Deleterious"; PolyPhen-2: "Benign"; Align-GVGD: "Class C0"). This variant has not been reported in the literature in individuals affected with PROSC-related conditions. This variant is present in population databases (rs759847387, gnomAD 0.003%).

NM_007198.4(PLPBP):c.818A>G (p.Gln273Arg)

Gene: PLPBP (pyridoxal phosphate binding protein; plus strand). Cytogenetic location: 8p11.23.
Variant type: single nucleotide variant.
Coding change: c.818A>G on transcript NM_007198.4 (MANE Select); coding-DNA position 818, A replaced by G.
Protein change: p.Gln273Arg; replaces glutamine 273 with arginine.
Molecular consequence: missense variant.
Genome position (GRCh38, 1-based): chr8:37,778,094, A>G. VCF-style: chr8-37778094-A-G. GRCh37 (hg19) VCF-style: chr8-37635612-A-G.
Other names: c.848A>G, p.Gln283Arg (NM_001349346.2); c.812A>G, p.Gln271Arg (NM_001349347.2); c.662A>G, p.Gln221Arg (NM_001349348.2); short protein forms Q273R, Q283R, Q221R, Q271R.
Identifiers: ClinVar variation 2159892 (VCV002159892.4), dbSNP rs759847387, ClinGen allele CA4711372.